The following is an entry in ClinVar:

NM_170601.5(SIAE):c.133del (p.Ala45fs)

Gene: SIAE (sialic acid acetylesterase; minus strand). Cytogenetic location: 11q24.2.
Variant type: Deletion.
Coding change: c.133del on transcript NM_170601.5 (MANE Select); coding-DNA position 133, one base deleted (G; older notation c.133delG).
Protein change: p.Ala45fs; shifts the reading frame from alanine 45.
Molecular consequence: frameshift variant.
Genome position (GRCh38, 1-based): chr11:124,669,456, C deleted on the plus strand (G on the coding strand, the reverse complement: SIAE is on the minus strand); the first of 4 consecutive C bases (chr11:124,669,456-124,669,459); deleting any one gives the same sequence. VCF-style (leftmost placement, unchanged base first): chr11-124669455-GC-G. GRCh37 (hg19) VCF-style: chr11-124539351-GC-G.
Other names: c.28del, p.Ala10fs (NM_001199922.2); short protein forms A10fs, A45fs.
Identifiers: ClinVar variation 2000987 (VCV002000987.4), dbSNP rs2496952858, ClinGen allele CA2580083756.

ClinVar aggregate classification (germline): Uncertain significance (1 of 4 stars; one submission).

Submission:

Labcorp Genetics (formerly Invitae), Labcorp
Classification: Uncertain significance. Last evaluated: 2022-05-30. Review status: criteria provided, single submitter. Criteria: Invitae Variant Classification Sherloc (09022015). Collection method: clinical testing. Allele origin: germline.
Comment: This sequence change creates a premature translational stop signal (p.Ala45Glnfs*2) in the SIAE gene. It is expected to result in an absent or disrupted protein product. However, the current clinical and genetic evidence is not sufficient to establish whether loss-of-function variants in SIAE cause disease. In summary, the available evidence is currently insufficient to determine the role of this variant in disease. Therefore, it has been classified as a Variant of Uncertain Significance. This variant has not been reported in the literature in individuals affected with SIAE-related conditions. This variant is not present in population databases (gnomAD no frequency).